The following is an entry in ClinVar:

NM_001009944.3(PKD1):c.9487A>G (p.Asn3163Asp)

Gene: PKD1 (polycystin 1, transient receptor potential channel interacting; minus strand). Cytogenetic location: 16p13.3.
Variant type: single nucleotide variant.
Coding change: c.9487A>G on transcript NM_001009944.3 (MANE Select); coding-DNA position 9487, A replaced by G.
Protein change: p.Asn3163Asp; replaces asparagine 3163 with aspartic acid.
Molecular consequence: missense variant.
Genome position (GRCh38, 1-based): chr16:2,100,477, T>C on the plus strand (A>G on the coding strand, the complement: PKD1 is on the minus strand). VCF-style: chr16-2100477-T-C. GRCh37 (hg19) VCF-style: chr16-2150478-T-C.
Other names: c.9487A>G, p.Asn3163Asp (NM_000296.4); short protein forms N3163D.
Identifiers: ClinVar variation 3360495 (VCV003360495.1).

ClinVar aggregate classification (germline): Uncertain significance (1 of 4 stars; one submission).

Submission:

GeneDx
Classification: Uncertain significance. Last evaluated: 2023-06-29. Review status: criteria provided, single submitter. Criteria: GeneDx Variant Classification Process June 2021. Collection method: clinical testing. Allele origin: germline. Affected: yes.
Comment: Not observed at significant frequency in large population cohorts (gnomAD); In silico analysis supports that this missense variant has a deleterious effect on protein structure/function; Has not been previously published as pathogenic or benign to our knowledge